The following is an entry in ClinVar:

NM_172107.4(KCNQ2):c.1048_1050del (p.Asn350del)

Gene: KCNQ2 (potassium voltage-gated channel subfamily Q member 2; minus strand). Cytogenetic location: 20q13.33.
Variant type: Deletion.
Coding change: c.1048_1050del on transcript NM_172107.4 (MANE Select); coding-DNA positions 1048 to 1050, 3 bases deleted (AAC; older notation c.1048_1050delAAC).
Protein change: p.Asn350del; deletes asparagine 350.
Molecular consequence: inframe deletion.
Genome position (GRCh38, 1-based): chr20:63,433,877-63,433,879, GTT deleted on the plus strand (AAC on the coding strand, the reverse complement: KCNQ2 is on the minus strand); deleting any 3 consecutive bases within chr20:63,433,877-63,433,880 gives the same sequence; the c. name uses the placement nearest the transcript's 3' end. VCF-style (leftmost placement, unchanged base first): chr20-63433876-GGTT-G. GRCh37 (hg19) VCF-style: chr20-62065229-GGTT-G.
Other names: c.1048_1050del, p.Asn350del (NM_001382235.1, NM_004518.6, NM_172106.3 and 2 more transcripts); short protein forms N350del.
Identifiers: ClinVar variation 2018151 (VCV002018151.4), dbSNP rs2516364365, ClinGen allele CA2580098414.

ClinVar aggregate classification (germline): Pathogenic (1 of 4 stars; one submission).

Conditions:
Early-infantile DEE. Also called: Early infantile epileptic encephalopathy; Ohtahara syndrome; Early infantile epileptic encephalopathy with suppression bursts. Identifiers: Orphanet 1934, MedGen C0393706, MONDO:0800491.

Submission:

Labcorp Genetics (formerly Invitae), Labcorp
Classification: Pathogenic for Early-infantile DEE. Last evaluated: 2022-08-11. Review status: criteria provided, single submitter. Criteria: Invitae Variant Classification Sherloc (09022015). Collection method: clinical testing. Allele origin: germline.
Comment: This variant, c.1048_1050del, results in the deletion of 1 amino acid(s) of the KCNQ2 protein (p.Asn350del), but otherwise preserves the integrity of the reading frame. For these reasons, this variant has been classified as Pathogenic. This variant disrupts a region of the KCNQ2 protein in which other variant(s) (p.Asn350Ile) have been determined to be pathogenic (PMID: 32712949). This suggests that this is a clinically significant region of the protein, and that variants that disrupt it are likely to be disease-causing. This variant has been observed in individual(s) with clinical features of KCNQ2-related conditions (Invitae). In at least one individual the variant was observed to be de novo. This variant is not present in population databases (gnomAD no frequency).

Literature cited by the submitters: PubMed 32712949.